The following is an entry in ClinVar:

ClinVar aggregate classification (germline): Uncertain significance (1 of 4 stars; one submission).

Conditions:
Myofibrillar myopathy 3 (MFM3). Also called: Autosomal dominant spheroid body myopathy; Muscular dystrophy, proximal, type 1A. Identifiers: Orphanet 266, Orphanet 268129, MedGen C3714934, MONDO:0012215, OMIM 609200.

Submission:

Labcorp Genetics (formerly Invitae), Labcorp
Classification: Uncertain significance for Myofibrillar myopathy 3. Last evaluated: 2023-07-10. Review status: criteria provided, single submitter. Criteria: Invitae Variant Classification Sherloc (09022015). Collection method: clinical testing. Allele origin: germline.
Comment: An algorithm developed to predict the effect of missense changes on protein structure and function (PolyPhen-2) suggests that this variant is likely to be disruptive. In summary, the available evidence is currently insufficient to determine the role of this variant in disease. Therefore, it has been classified as a Variant of Uncertain Significance. This variant has not been reported in the literature in individuals affected with MYOT-related conditions. This variant is not present in population databases (gnomAD no frequency). This sequence change replaces serine, which is neutral and polar, with glycine, which is neutral and non-polar, at codon 229 of the MYOT protein (p.Ser229Gly).

NM_006790.3(MYOT):c.685A>G (p.Ser229Gly)

Genes: MYOT (myotilin; plus strand), PKD2L2-DT (PKD2L2 divergent transcript; minus strand). Cytogenetic location: 5q31.2.
Variant type: single nucleotide variant.
Coding change: c.685A>G on transcript NM_006790.3 (MANE Select); coding-DNA position 685, A replaced by G.
Protein change: p.Ser229Gly; replaces serine 229 with glycine.
Molecular consequence: missense variant.
Genome position (GRCh38, 1-based): chr5:137,881,974, A>G. VCF-style: chr5-137881974-A-G. GRCh37 (hg19) VCF-style: chr5-137217663-A-G.
Other names: c.133A>G, p.Ser45Gly (NM_001135940.2); c.340A>G, p.Ser114Gly (NM_001300911.2); short protein forms S114G, S229G, S45G.
Identifiers: ClinVar variation 2801249 (VCV002801249.3), dbSNP rs1755446916, ClinGen allele CA361054994.